The following is an entry in ClinVar:

ClinVar aggregate classification (germline): Uncertain significance (1 of 4 stars; one submission).

Conditions:
Hereditary cancer-predisposing syndrome. Also called: Tumor predisposition; Hereditary Cancer Syndrome; Hereditary neoplastic syndrome; Neoplastic Syndromes, Hereditary. Identifiers: Orphanet 140162, MedGen C0027672, MeSH D009386, MONDO:0015356.

Submission:

Ambry Genetics
Classification: Uncertain significance for Hereditary cancer-predisposing syndrome. Last evaluated: 2023-06-28. Review status: criteria provided, single submitter. Criteria: Ambry Variant Classification Scheme 2023. Collection method: clinical testing. Allele origin: germline.
Comment: The p.M145K variant (also known as c.434T>A), located in coding exon 3 of the SMARCA4 gene, results from a T to A substitution at nucleotide position 434. The methionine at codon 145 is replaced by lysine, an amino acid with similar properties. This amino acid position is well conserved in available vertebrate species. In addition, the in silico prediction for this alteration is inconclusive. Missense and in-frame variants in SMARCA4 are known to cause neurodevelopmental disorders; however, such associations with rhabdoid tumor predisposition syndrome including small cell carcinoma of the ovary-hypercalcemic type (SCCOHT) are exceedingly rare (Kosho T et al. Am J Med Genet C Semin Med Genet. 2014 Sep;166C(3):262-75; Jelinic P et al. Nat Genet. 2014 May;46(5):424-6). Since supporting evidence is limited at this time, the clinical significance of this alteration remains unclear.

NM_003072.5(SMARCA4):c.434T>A (p.Met145Lys)

Gene: SMARCA4 (SWI/SNF related BAF chromatin remodeling complex subunit ATPase 4; plus strand). Cytogenetic location: 19p13.2.
Variant type: single nucleotide variant.
Coding change: c.434T>A on transcript NM_003072.5 (MANE Select); coding-DNA position 434, T replaced by A.
Protein change: p.Met145Lys; replaces methionine 145 with lysine.
Molecular consequence: missense variant. On other transcripts: non-coding transcript variant (1).
Genome position (GRCh38, 1-based): chr19:10,986,267, T>A. VCF-style: chr19-10986267-T-A. GRCh37 (hg19) VCF-style: chr19-11096943-T-A.
Other names: c.434T>A, p.Met145Lys (NM_001128844.3, NM_001128845.2, NM_001128846.2 and 6 more transcripts); short protein forms M145K.
Identifiers: ClinVar variation 2587111 (VCV002587111.2), dbSNP rs2145773928, ClinGen allele CA404055936.